The following is an entry in ClinVar:

ClinVar aggregate classification (germline): Uncertain significance. Review status: criteria provided, multiple submitters, no conflicts (2 of 4 stars). 4 submissions from 4 submitters: Uncertain significance (4). Last evaluated 2022-05-01.

Conditions:
Inclusion body myopathy with Paget disease of bone and frontotemporal dementia type 1. Also called: Inclusion body myopathy with early-onset Paget disease with or without frontotemporal dementia 1; MULTISYSTEM PROTEINOPATHY 1; Inclusion body myopathy with early-onset Paget disease and frontotemporal dementia 1. Identifiers: MedGen C4551951, MONDO:0008178, OMIM 167320.
Frontotemporal dementia and/or amyotrophic lateral sclerosis 6 (FTDALS6). Also called: VCP-Related Amyotrophic Lateral Sclerosis; VCP-Related Amyotrophic Lateral Sclerosis/Frontotemporal Dementia. Identifiers: Orphanet 275872, Orphanet 803, MedGen C5436279, MONDO:0013501, OMIM 613954.
Inclusion body myopathy with Paget disease of bone and frontotemporal dementia. Also called: Inclusion body myopathy with early-onset Paget disease and frontotemporal dementia. Identifiers: Orphanet 52430, MedGen C1833662, MONDO:0000507.

Allele frequency attached by ClinVar (database versions not stated): gnomAD exomes below 0.00001; gnomAD 0.00001.

Submissions (4):

CeGaT Center for Human Genetics Tuebingen
Classification: Uncertain significance. Last evaluated: 2022-05-01. Review status: criteria provided, single submitter. Criteria: CeGaT Center For Human Genetics Tuebingen Variant Classification Criteria Version 2. Collection method: clinical testing. Allele origin: germline. Affected: yes. Observed: 1 variant allele.
Comment: VCP: PP2, PP3

Labcorp Genetics (formerly Invitae), Labcorp
Classification: Uncertain significance for Inclusion body myopathy with Paget disease of bone and frontotemporal dementia; Frontotemporal dementia and/or amyotrophic lateral sclerosis 6. Last evaluated: 2022-03-26. Review status: criteria provided, single submitter. Criteria: Invitae Variant Classification Sherloc (09022015). Collection method: clinical testing. Allele origin: germline.
Comment: In summary, the available evidence is currently insufficient to determine the role of this variant in disease. Therefore, it has been classified as a Variant of Uncertain Significance. Algorithms developed to predict the effect of missense changes on protein structure and function are either unavailable or do not agree on the potential impact of this missense change (SIFT: "Not Available"; PolyPhen-2: "Benign"; Align-GVGD: "Not Available"). ClinVar contains an entry for this variant (Variation ID: 873235). This variant has not been reported in the literature in individuals affected with VCP-related conditions. This variant is present in population databases (no rsID available, gnomAD 0.007%). This sequence change replaces threonine, which is neutral and polar, with isoleucine, which is neutral and non-polar, at codon 14 of the VCP protein (p.Thr14Ile).

Suna and Inan Kirac Foundation Neurodegeneration Research Laboratory, Koc University
Classification: Uncertain significance. Last evaluated: 2020-03-31. Review status: criteria provided, single submitter. Criteria: ACMG Guidelines, 2015. Collection method: research. Allele origin: germline. Affected: no. Observed: 1 variant allele.

Centre for Mendelian Genomics, University Medical Centre Ljubljana
Classification: Uncertain significance for Inclusion body myopathy with Paget disease of bone and frontotemporal dementia type 1. Last evaluated: 2019-02-22. Review status: criteria provided, single submitter. Criteria: ACMG Guidelines, 2015. Collection method: clinical testing. Allele origin: unknown. Affected: yes.
Comment: This variant was classified as: Uncertain significance. The available evidence on this variant's pathogenicity is insufficient or conflicting. The following ACMG criteria were applied in classifying this variant: PM2,PP3.

NM_007126.5(VCP):c.41C>T (p.Thr14Ile)

Gene: VCP (valosin containing protein; minus strand). Cytogenetic location: 9p13.3.
Variant type: single nucleotide variant.
Coding change: c.41C>T on transcript NM_007126.5 (MANE Select); coding-DNA position 41, C replaced by T.
Protein change: p.Thr14Ile; replaces threonine 14 with isoleucine.
Molecular consequence: missense variant. On other transcripts: 5 prime UTR variant (2).
Genome position (GRCh38, 1-based): chr9:35,068,339, G>A on the plus strand (C>T on the coding strand, the complement: VCP is on the minus strand). VCF-style: chr9-35068339-G-A. GRCh37 (hg19) VCF-style: chr9-35068336-G-A.
Other names: c.-95C>T (NM_001354927.2, NM_001354928.2); short protein forms T14I.
Identifiers: ClinVar variation 873235 (VCV000873235.33), dbSNP rs1219381953, ClinGen allele CA373295294.